The following is an entry in ClinVar:

ClinVar aggregate classification (germline): Uncertain significance (1 of 4 stars; one submission).

Conditions:
Saldino-Mainzer syndrome (SRTD9). Also called: Renal dysplasia, retinal pigmentary dystrophy, cerebellar ataxia and skeletal dysplasia; CONORENAL SYNDROME; SHORT-RIB THORACIC DYSPLASIA 9 WITHOUT POLYDACTYLY; short-rib thoracic dysplasia 9 with or without polydactyly. Identifiers: Orphanet 140969, MedGen C1849437, MONDO:0009964, OMIM 266920.

Allele frequency attached by ClinVar (database versions not stated): gnomAD exomes below 0.00001; TOPMed below 0.00001; ExAC 0.00001.
gnomAD v4.1: 4 of 1,613,576 alleles (0.00025%); highest among the groups gnomAD compares: Non-Finnish European, 0.00034%; no homozygotes.

Submission:

Labcorp Genetics (formerly Invitae), Labcorp
Classification: Uncertain significance for Saldino-Mainzer syndrome. Last evaluated: 2025-04-16. Review status: criteria provided, single submitter. Criteria: Invitae Variant Classification Sherloc (09022015). Collection method: clinical testing. Allele origin: germline.
Comment: This sequence change falls in intron 4 of the IFT140 gene. It does not directly change the encoded amino acid sequence of the IFT140 protein. It affects a nucleotide within the consensus splice site. This variant is present in population databases (rs752104483, gnomAD 0.0009%). This variant has not been reported in the literature in individuals affected with IFT140-related conditions. ClinVar contains an entry for this variant (Variation ID: 1491410). Variants that disrupt the consensus splice site are a relatively common cause of aberrant splicing (PMID: 17576681, 9536098). Algorithms developed to predict the effect of sequence changes on RNA splicing suggest that this variant may disrupt the consensus splice site. In summary, the available evidence is currently insufficient to determine the role of this variant in disease. Therefore, it has been classified as a Variant of Uncertain Significance.

Literature cited by the submitters: PubMed 17576681; PubMed 9536098.

NM_014714.4(IFT140):c.369+4A>G

Genes: IFT140 (intraflagellar transport 140; minus strand), LOC105371046 (uncharacterized LOC105371046; plus strand). Cytogenetic location: 16p13.3.
Variant type: single nucleotide variant.
Coding change: c.369+4A>G on transcript NM_014714.4 (MANE Select); 4 bases into the intron after coding-DNA position 369, A replaced by G.
Molecular consequence: intron variant.
Genome position (GRCh38, 1-based): chr16:1,602,366, T>C on the plus strand (A>G on the coding strand, the complement: IFT140 is on the minus strand). VCF-style: chr16-1602366-T-C. GRCh37 (hg19) VCF-style: chr16-1652367-T-C.
Identifiers: ClinVar variation 1491410 (VCV001491410.6), dbSNP rs752104483, ClinGen allele CA7814740.